The following is an entry in ClinVar:

ClinVar aggregate classification (germline): Benign/Likely benign. Review status: criteria provided, multiple submitters, no conflicts (2 of 4 stars). 4 submissions from 4 submitters: Benign (2); Likely benign (2). Last evaluated 2025-03-04.

Conditions:
Cataract 22 multiple types. Also called: CATARACT 22, NUCLEAR, AUTOSOMAL RECESSIVE; CATARACT 22, MULTIPLE TYPES, AUTOSOMAL DOMINANT; Cataract 22. Identifiers: Orphanet 91492, MedGen C1857853, MONDO:0012336, OMIM 609741.

Allele frequency attached by ClinVar (database versions not stated): ExAC 0.00110; gnomAD exomes 0.00119; 1000 Genomes Project 30x 0.00125; 1000 Genomes Project 0.00140; TOPMed 0.00182; ESP Exome Variant Server 0.00223.
gnomAD v4.1: 1,249 of 1,613,314 alleles (0.077%); highest among the groups gnomAD compares: African/African-American, 0.44%; 5 homozygotes.

Submissions (4):

Labcorp Genetics (formerly Invitae), Labcorp
Classification: Benign for Cataract 22 multiple types. Last evaluated: 2025-03-04. Review status: criteria provided, single submitter. Criteria: Invitae Variant Classification Sherloc (09022015). Collection method: clinical testing. Allele origin: germline.

Blueprint Genetics
Classification: Likely benign. Last evaluated: 2024-11-26. Review status: criteria provided, single submitter. Criteria: ACMG Guidelines, 2015. Collection method: clinical testing. Allele origin: germline.

CeGaT Center for Human Genetics Tuebingen
Classification: Likely benign. Last evaluated: 2022-10-01. Review status: criteria provided, single submitter. Criteria: CeGaT Center For Human Genetics Tuebingen Variant Classification Criteria Version 2. Collection method: clinical testing. Allele origin: germline. Affected: yes. Observed: 1 variant allele.
Comment: CRYBB3: BP4, BP7

Breakthrough Genomics
Classification: Benign. Review status: criteria provided, single submitter. Criteria: ACMG Guidelines, 2015. Collection method: not provided. Allele origin: germline. Inheritance: Autosomal dominant inheritance. Affected: yes.

NM_004076.5(CRYBB3):c.6G>A (p.Ala2=)

Gene: CRYBB3 (crystallin beta B3; plus strand). Cytogenetic location: 22q11.23.
Variant type: single nucleotide variant.
Coding change: c.6G>A on transcript NM_004076.5 (MANE Select); coding-DNA position 6, G replaced by A.
Protein change: p.Ala2=; no amino-acid change (alanine 2 retained).
Molecular consequence: synonymous variant.
Genome position (GRCh38, 1-based): chr22:25,201,402, G>A. VCF-style: chr22-25201402-G-A. GRCh37 (hg19) VCF-style: chr22-25597369-G-A.
Identifiers: ClinVar variation 703368 (VCV000703368.41), dbSNP rs144393956, ClinGen allele CA10157631.
Genomic context (GRCh38, chr22:25,201,402, plus strand): 5'-GTGGATCCAGTGAACCATTTTCTTTTGGTTTGAAGCCAGAGGTGTTCCTGGGGAGATGGC[G>A]GAACAGCACGGAGCACCCGAACAGGCTGCAGCTGGCAAGAGCCATGGAGACCTTGGGGGC-3'
Protein context (NP_004067.1, residues 1-12): M[Ala2=]EQHGAPEQAA